The following is an entry in ClinVar:

ClinVar aggregate classification (germline): Uncertain significance (1 of 4 stars; one submission).

Conditions:
Inflammatory skin and bowel disease, neonatal, 1. Identifiers: Orphanet 294023, MedGen C3280501, MONDO:0013693, OMIM 614328.

Allele frequency attached by ClinVar (database versions not stated): gnomAD 0.00001; gnomAD exomes 0.00001; TOPMed 0.00001.
gnomAD v4.1: 18 of 1,613,914 alleles (0.0011%); highest among the groups gnomAD compares: African/African-American, 0.0067%; no homozygotes.

Submission:

Labcorp Genetics (formerly Invitae), Labcorp
Classification: Uncertain significance for Inflammatory skin and bowel disease, neonatal, 1. Last evaluated: 2024-05-02. Review status: criteria provided, single submitter. Criteria: Invitae Variant Classification Sherloc (09022015). Collection method: clinical testing. Allele origin: germline.
Comment: This sequence change replaces lysine, which is basic and polar, with asparagine, which is neutral and polar, at codon 620 of the ADAM17 protein (p.Lys620Asn). This variant is present in population databases (rs530963981, gnomAD 0.008%). This variant has not been reported in the literature in individuals affected with ADAM17-related conditions. ClinVar contains an entry for this variant (Variation ID: 2082241). Algorithms developed to predict the effect of missense changes on protein structure and function output the following: SIFT: "Not Available"; PolyPhen-2: "Benign"; Align-GVGD: "Not Available". The asparagine amino acid residue is found in multiple mammalian species, which suggests that this missense change does not adversely affect protein function. In summary, the available evidence is currently insufficient to determine the role of this variant in disease. Therefore, it has been classified as a Variant of Uncertain Significance.

NM_003183.6(ADAM17):c.1860G>T (p.Lys620Asn)

Genes: ADAM17 (ADAM metallopeptidase domain 17; minus strand), IAH1 (isoamyl acetate hydrolyzing esterase 1 (putative); plus strand). Cytogenetic location: 2p25.1.
Variant type: single nucleotide variant.
Coding change: c.1860G>T on transcript NM_003183.6 (MANE Select); coding-DNA position 1860, G replaced by T.
Protein change: p.Lys620Asn; replaces lysine 620 with asparagine.
Molecular consequence: missense variant.
Genome position (GRCh38, 1-based): chr2:9,494,691, C>A on the plus strand (G>T on the coding strand, the complement: ADAM17 is on the minus strand). VCF-style: chr2-9494691-C-A. GRCh37 (hg19) VCF-style: chr2-9634820-C-A.
Other names: c.1200G>T, p.Lys400Asn (NM_001382777.1); c.963G>T, p.Lys321Asn (NM_001382778.1); short protein forms K321N, K400N, K620N.
Identifiers: ClinVar variation 2082241 (VCV002082241.3), dbSNP rs530963981, ClinGen allele CA42370334.